The following is an entry in ClinVar:

ClinVar aggregate classification (germline): Uncertain significance (1 of 4 stars; one submission).

Conditions:
Autosomal recessive mendelian susceptibility to mycobacterial diseases due to complete RORgamma receptor deficiency. Also called: Immunodeficiency 42. Identifiers: Orphanet 477857, MedGen C5567647, MONDO:0014710, OMIM 616622.

Submission:

Labcorp Genetics (formerly Invitae), Labcorp
Classification: Uncertain significance for Immunodeficiency 42. Last evaluated: 2019-11-09. Review status: criteria provided, single submitter. Criteria: Invitae Variant Classification Sherloc (09022015). Collection method: clinical testing. Allele origin: germline.
Comment: This sequence change replaces lysine with isoleucine at codon 381 of the RORC protein (p.Lys381Ile). The lysine residue is moderately conserved and there is a moderate physicochemical difference between lysine and isoleucine. This variant is not present in population databases (ExAC no frequency). This variant has not been reported in the literature in individuals with RORC-related conditions. Algorithms developed to predict the effect of missense changes on protein structure and function are either unavailable or do not agree on the potential impact of this missense change (SIFT: "Tolerated"; PolyPhen-2: "Possibly Damaging"; Align-GVGD: "Class C0"). In summary, the available evidence is currently insufficient to determine the role of this variant in disease. Therefore, it has been classified as a Variant of Uncertain Significance.

NM_005060.4(RORC):c.1142A>T (p.Lys381Ile)

Gene: RORC (RAR related orphan receptor C; minus strand). Cytogenetic location: 1q21.3.
Variant type: single nucleotide variant.
Coding change: c.1142A>T on transcript NM_005060.4 (MANE Select); coding-DNA position 1142, A replaced by T.
Protein change: p.Lys381Ile; replaces lysine 381 with isoleucine.
Molecular consequence: missense variant.
Genome position (GRCh38, 1-based): chr1:151,813,271, T>A on the plus strand (A>T on the coding strand, the complement: RORC is on the minus strand). VCF-style: chr1-151813271-T-A. GRCh37 (hg19) VCF-style: chr1-151785747-T-A.
Other names: c.1079A>T, p.Lys360Ile (NM_001001523.2); short protein forms K360I, K381I.
Identifiers: ClinVar variation 964849 (VCV000964849.1), dbSNP rs1651610525, ClinGen allele CA342012002.